The following is an entry in ClinVar:

NM_000054.7(AVPR2):c.935T>A (p.Leu312Ter)

Gene: AVPR2 (arginine vasopressin receptor 2; plus strand). Cytogenetic location: Xq28.
Variant type: single nucleotide variant.
Coding change: c.935T>A on transcript NM_000054.7 (MANE Select); coding-DNA position 935, T replaced by A.
Protein change: p.Leu312Ter; replaces leucine 312 with a stop codon.
Molecular consequence: nonsense. On other transcripts: 3 prime UTR variant (1), non-coding transcript variant (1).
Genome position (GRCh38, 1-based): chrX:153,906,547, T>A. VCF-style: chrX-153906547-T-A. GRCh37 (hg19) VCF-style: chrX-153172001-T-A.
Other names: c.*111T>A (NM_001146151.3); short protein forms L312*.
Identifiers: ClinVar variation 2138781 (VCV002138781.4), dbSNP rs2521161601, ClinGen allele CA415110654.
Genomic context (GRCh38, chrX:153,906,547, plus strand): 5'-CATCCTGAACCCAACCTAGATCCTCCACCTCCACAGGGGCGCCCTTTGTGCTACTCATGT[T>A]GCTGGCCAGCCTCAACAGCTGCACCAACCCCTGGATCTATGCATCTTTCAGCAGCAGCGT-3'

ClinVar aggregate classification (germline): Pathogenic (1 of 4 stars; one submission).

Submission:

Labcorp Genetics (formerly Invitae), Labcorp
Classification: Pathogenic. Last evaluated: 2022-07-04. Review status: criteria provided, single submitter. Criteria: Invitae Variant Classification Sherloc (09022015). Collection method: clinical testing. Allele origin: germline.
Comment: This sequence change creates a premature translational stop signal (p.Leu312*) in the AVPR2 gene. While this is not anticipated to result in nonsense mediated decay, it is expected to disrupt the last 60 amino acid(s) of the AVPR2 protein. This variant is not present in population databases (gnomAD no frequency). For these reasons, this variant has been classified as Pathogenic. This variant disrupts the C-terminus of the AVPR2 protein. Other variant(s) that disrupt this region (p.Arg337*; p.Val332Glnfs26*) have been observed in individuals with AVPR2-related conditions (PMID: 8037205, 31666769). This suggests that this may be a clinically significant region of the protein. Algorithms developed to predict the effect of sequence changes on RNA splicing suggest that this variant may disrupt the consensus splice site. This variant is also known as 1006T>A. This premature translational stop signal has been observed in individual(s) with diabetes insipidus (PMID: 8037205).

Literature cited by the submitters: PubMed 8037205; PubMed 31666769.